The following continues an entry in ClinVar:

NM_001844.5(COL2A1):c.3121G>A (p.Gly1041Ser)

Gene: COL2A1. ClinVar aggregate classification (germline): Pathogenic. Pathogenic (10).

Submissions 8 to 10 of 10:

Illumina Laboratory Services, Illumina
Classification: Pathogenic for Type 2 collagenopathy. Last evaluated: 2017-12-14. Review status: criteria provided, single submitter. Criteria: ICSLVariantClassificationCriteria RUGD 01 April 2020. Collection method: clinical testing. Allele origin: unknown.
Comment: The COL2A1 c.3121G>A p.(Gly1041Ser) missense variant has been identified in an individual with a phenotype consistent with type II collagenopathy (Meredith et al. 2007). This variant is not observed in version 2.1.1 of the Genome Aggregation Database. The variant is a missense variant resulting in the substitution of a glycine residue within the collagen helix region of the protein, disruption of which by dominant-negative variants is a common mechanism of disease for type II collagenopathy. Based on the available evidence the c.3121G>A p.(Gly1041Ser) variant is classified as pathogenic for type II collagenopathy.

Juno Genomics, Hangzhou Juno Genomics, Inc
Classification: Pathogenic for Multiple epiphyseal dysplasia, Beighton type; Vitreoretinopathy with phalangeal epiphyseal dysplasia; Achondrogenesis type II; Avascular necrosis of femoral head, primary, 1; Spondyloepiphyseal dysplasia with metatarsal shortening; Kniest dysplasia; Legg-Calve-Perthes disease; Namaqualand hip dysplasia; Platyspondylic dysplasia, Torrance type; Spondyloepiphyseal dysplasia congenita; Spondyloepimetaphyseal dysplasia, Strudwick type; Spondyloepiphyseal dysplasia, Stanescu type; Spondyloperipheral dysplasia; Stickler syndrome type 1; Stickler syndrome, type I, nonsyndromic ocular. Review status: criteria provided, single submitter. Criteria: ACMG Guidelines, 2015. Collection method: clinical testing. Allele origin: germline. Affected: yes.
Comment: Absent from controls (or at extremely low frequency if recessive) in Genome Aggregation Database, Exome Sequencing Project, 1000 Genomes Project, or Exome Aggregation Consortium.;Multiple lines of computational evidence support a deleterious effect on the gene or gene product (conservation, evolutionary, splicing impact, etc).;Missense variant in a gene that has a low rate of benign missense variation and where missense variants are a common mechanism of disease.;The prevalence of the variant in affected individuals is significantly increased compared to the prevalence in controls.;Assumed de novo, but without confirmation of paternity and maternity.

Kasturba Medical College, Manipal, Kasturba Medical College, Manipal, Manipal Academy of Higher Education, Manipal, India
Classification: Pathogenic for Spondyloepimetaphyseal dysplasia, Strudwick type. Review status: criteria provided, single submitter. Criteria: ACMG Guidelines, 2015. Collection method: clinical testing. Allele origin: de novo. Inheritance: Autosomal dominant inheritance. Affected: yes.

Literature cited by the submitters: PubMed 17347327 (cited by 4 submitters); PubMed 30792901 (cited by Labcorp Genetics (formerly Invitae), Labcorp and Women's Health and Genetics/Laboratory Corporation of America, LabCorp); PubMed 7695699 (cited by Labcorp Genetics (formerly Invitae), Labcorp); PubMed 8218237 (cited by Labcorp Genetics (formerly Invitae), Labcorp); PubMed 19344236 (cited by Labcorp Genetics (formerly Invitae), Labcorp); PubMed 9016532 (cited by Labcorp Genetics (formerly Invitae), Labcorp); PubMed 17078022 (cited by Labcorp Genetics (formerly Invitae), Labcorp); PubMed 30138938 (cited by Women's Health and Genetics/Laboratory Corporation of America, LabCorp); PubMed 33249554 (cited by Women's Health and Genetics/Laboratory Corporation of America, LabCorp); PubMed 34394176 (cited by Women's Health and Genetics/Laboratory Corporation of America, LabCorp); PubMed 26377240 (cited by Women's Health and Genetics/Laboratory Corporation of America, LabCorp).